The following is an entry in ClinVar:

NM_000360.4(TH):c.241del (p.Val81fs)

Gene: TH (tyrosine hydroxylase; minus strand). Cytogenetic location: 11p15.5.
Variant type: Deletion.
Coding change: c.241del on transcript NM_000360.4 (MANE Select); coding-DNA position 241, one base deleted (G; older notation c.241delG).
Protein change: p.Val81fs; shifts the reading frame from valine 81.
Molecular consequence: frameshift variant.
Genome position (GRCh38, 1-based): chr11:2,169,721, C deleted on the plus strand (G on the coding strand, the reverse complement: TH is on the minus strand). VCF-style (leftmost placement, unchanged base first): chr11-2169720-AC-A. GRCh37 (hg19) VCF-style: chr11-2190950-AC-A.
Other names: c.253del, p.Val85fs (NM_001440535.1, NM_001440536.1); c.241del, p.Val81fs (NM_001440537.1); c.334del, p.Val112fs (NM_199292.3); c.322del, p.Val108fs (NM_199293.3); short protein forms V108fs, V85fs, V112fs, V81fs.
Identifiers: ClinVar variation 5007855 (VCV005007855.2).
Genomic context (GRCh38, chr11:2,169,720, plus strand): 5'-TTCACAGCTCGGGACAGCGCCGAGGGCTTGGTGGCCCTCGGGGAGAAGAGCAGGTTTAGC[AC>A]GGCCTTCCCCTCCTTCTCCTCAAAGGCCACAGCCTCCAGGGGGTCCCCGGGCTCCGAGGG-3'

ClinVar aggregate classification (germline): Likely pathogenic (1 of 4 stars; one submission).

Conditions:
TH-deficient dopa-responsive dystonia. Also called: Tyrosine Hydroxylase-Deficient Dopa-Responsive Dystonia; Segawa syndrome, autosomal recessive; DYT-TH. Identifiers: Orphanet 101150, MedGen C2673535, MONDO:0011551, OMIM 605407.

Submission:

Juno Genomics, Hangzhou Juno Genomics, Inc
Classification: Likely pathogenic for TH-deficient dopa-responsive dystonia. Review status: criteria provided, single submitter. Criteria: ACMG Guidelines, 2015. Collection method: clinical testing. Allele origin: germline.
Comment: Null variant in a gene where loss of function (LOF) is a known mechanism of disease.;Absent from controls (or at extremely low frequency if recessive) in Genome Aggregation Database.